The following is an entry in ClinVar:

NM_001354712.2(THRB):c.*4988T>C

Gene: THRB (thyroid hormone receptor beta; minus strand). Cytogenetic location: 3p24.2.
Variant type: single nucleotide variant.
Coding change: c.*4988T>C on transcript NM_001354712.2 (MANE Select); 4988 bases downstream of the stop codon, T replaced by C.
Molecular consequence: 3 prime UTR variant.
Genome position (GRCh38, 1-based): chr3:24,117,896, A>G on the plus strand (T>C on the coding strand, the complement: THRB is on the minus strand). VCF-style: chr3-24117896-A-G. GRCh37 (hg19) VCF-style: chr3-24159387-A-G.
Other names: c.*4988T>C (NM_000461.5, NM_001128176.3, NM_001128177.2 and 8 more transcripts).
Identifiers: ClinVar variation 344545 (VCV000344545.6), dbSNP rs1349265, ClinGen allele CA10616002.
Genomic context (GRCh38, chr3:24,117,896, plus strand): 5'-CATGTGTTCAGGGCAACAGAGATTGAGATATATGTTGGCAGCTGATGTTAACATAATTCC[A>G]TTAGTAATATTCCTGAATAATTTGAGATGAGAAGATGAATGTTGTCCTTGAGCTGCAAAA-3'

ClinVar aggregate classification (germline): Benign. Review status: criteria provided, multiple submitters, no conflicts (2 of 4 stars). 2 submissions from 2 submitters: Benign (2). Last evaluated 2018-01-12.

Conditions:
Thyroid hormone resistance, generalized, autosomal dominant (GRTHD). Also called: HYPERTHYROXINEMIA, FAMILIAL EUTHYROID, SECONDARY TO PITUITARY AND PERIPHERAL RESISTANCE TO THYROID HORMONES. Identifiers: MedGen C2937288, MONDO:0008569, OMIM 188570.

Allele frequency attached by ClinVar (database versions not stated): 1000 Genomes Project 30x 0.47189; 1000 Genomes Project 0.48023; gnomAD exomes 0.50000; TOPMed 0.50902; gnomAD 0.52355 and 0.52872.
gnomAD v4.1: 80,771 of 152,144 alleles (53%); highest among the groups gnomAD compares: Non-Finnish European, 70%; 24,969 homozygotes.

Submissions (2):

Illumina Laboratory Services, Illumina
Classification: Benign for Thyroid hormone resistance, generalized, autosomal dominant. Last evaluated: 2018-01-12. Review status: criteria provided, single submitter. Criteria: ICSL Variant Classification Criteria 13 December 2019. Collection method: clinical testing. Allele origin: germline.
Comment: This variant was observed in the ICSL laboratory as part of a predisposition screen in an ostensibly healthy population. It had not been previously curated by ICSL or reported in the Human Gene Mutation Database (HGMD: prior to June 1st, 2018), and was therefore a candidate for classification through an automated scoring system. Utilizing variant allele frequency, disease prevalence and penetrance estimates, and inheritance mode, an automated score was calculated to assess if this variant is too frequent to cause the disease. Based on the score and internal cut-off values, a variant classified as benign is not then subjected to further curation. The score for this variant resulted in a classification of benign for this disease.

Breakthrough Genomics
Classification: Benign. Review status: criteria provided, single submitter. Criteria: ACMG Guidelines, 2015. Collection method: not provided. Allele origin: germline. Inheritance: Autosomal recessive inheritance. Affected: yes.